The following is an entry in ClinVar:

NM_052947.4(ALPK2):c.254A>G (p.Tyr85Cys)

Gene: ALPK2 (alpha kinase 2; minus strand). Cytogenetic location: 18q21.31.
Variant type: single nucleotide variant.
Coding change: c.254A>G on transcript NM_052947.4 (MANE Select); coding-DNA position 254, A replaced by G.
Protein change: p.Tyr85Cys; replaces tyrosine 85 with cysteine.
Molecular consequence: missense variant.
Genome position (GRCh38, 1-based): chr18:58,580,522, T>C on the plus strand (A>G on the coding strand, the complement: ALPK2 is on the minus strand). VCF-style: chr18-58580522-T-C. GRCh37 (hg19) VCF-style: chr18-56247754-T-C.
Other names: short protein forms Y85C.
Identifiers: ClinVar variation 3228631 (VCV003228631.1), dbSNP rs2518900496, ClinGen allele CA402568386.
Genomic context (GRCh38, chr18:58,580,522, plus strand): 5'-TCAACCTCAACGGAAGCAGAACAACAGATCATTCCAAAAGAGTTTTTAGCCGAGATTTGA[T>C]AGACAGCAGCATCATTTTTGGTACAGCTAGGATGAAGAGAATATATAGATAAGTTTGCCA-3'
Protein context (NP_443179.3, residues 75-95): SCCTKNDAAV[Tyr85Cys]QISAKNSFGM

ClinVar aggregate classification (germline): Uncertain significance (1 of 4 stars; one submission).

gnomAD v4.1: 1 of 1,613,864 alleles (0.000062%); no homozygotes.

Submission:

Ambry Genetics
Classification: Uncertain significance. Last evaluated: 2023-12-01. Review status: criteria provided, single submitter. Criteria: Ambry Variant Classification Scheme 2023. Collection method: clinical testing. Allele origin: germline.
Comment: The p.Y85C variant (also known as c.254A>G), located in coding exon 3 of the ALPK2 gene, results from an A to G substitution at nucleotide position 254. The tyrosine at codon 85 is replaced by cysteine, an amino acid with highly dissimilar properties. This amino acid position is conserved. In addition, this alteration is predicted to be deleterious by in silico analysis. Since supporting evidence is limited at this time, the clinical significance of this alteration remains unclear.